The following is an entry in ClinVar:

ClinVar aggregate classification (germline): Uncertain significance. Review status: criteria provided, multiple submitters, no conflicts (2 of 4 stars). 2 submissions from 2 submitters: Uncertain significance (2). Last evaluated 2026-02-04.

Conditions:
Primary dilated cardiomyopathy (DCM). Also called: Dilated Cardiomyopathy. Identifiers: Orphanet 217604, MedGen C0007193, MeSH D002311, MONDO:0005021, HP:0001644. Inheritance: Various modes of inheritance.
Dilated cardiomyopathy 1DD (CMD1DD). Identifiers: Orphanet 154, MedGen C2750995, MONDO:0013168, OMIM 613172.

Submissions (2):

Dasa
Classification: Uncertain significance for dilated cardiomyopathy. Last evaluated: 2026-02-04. Review status: criteria provided, single submitter. Criteria: DASA Assertion Criteria. Collection method: clinical testing. Allele origin: germline.
Comment: NM_001134363.3(RBM20):c.829G>A (p.Ala277Thr) is a missense variant that results in the substitution of alanine with threonine. This variant is rare in population databases. The currently available literature and clinical evidence are not sufficient to establish a definitive association between this variant and the reported condition. Therefore, this variant is classified as a variant of uncertain significance.

Labcorp Genetics (formerly Invitae), Labcorp
Classification: Uncertain significance for Dilated cardiomyopathy 1DD. Last evaluated: 2025-10-26. Review status: criteria provided, single submitter. Criteria: Invitae Variant Classification Sherloc (09022015). Collection method: clinical testing. Allele origin: germline.
Comment: This sequence change replaces alanine, which is neutral and non-polar, with threonine, which is neutral and polar, at codon 277 of the RBM20 protein (p.Ala277Thr). This variant is not present in population databases (gnomAD no frequency). This variant has not been reported in the literature in individuals affected with RBM20-related conditions. ClinVar contains an entry for this variant (Variation ID: 1494051). Invitae Evidence Modeling of protein sequence and biophysical properties (such as structural, functional, and spatial information, amino acid conservation, physicochemical variation, residue mobility, and thermodynamic stability) indicates that this missense variant is not expected to disrupt RBM20 protein function with a negative predictive value of 95%. In summary, the available evidence is currently insufficient to determine the role of this variant in disease. Therefore, it has been classified as a Variant of Uncertain Significance.

NM_001134363.3(RBM20):c.829G>A (p.Ala277Thr)

Gene: RBM20 (RNA binding motif protein 20; plus strand). Cytogenetic location: 10q25.2.
Variant type: single nucleotide variant.
Coding change: c.829G>A on transcript NM_001134363.3 (MANE Select); coding-DNA position 829, G replaced by A.
Protein change: p.Ala277Thr; replaces alanine 277 with threonine.
Molecular consequence: missense variant.
Genome position (GRCh38, 1-based): chr10:110,781,438, G>A. VCF-style: chr10-110781438-G-A. GRCh37 (hg19) VCF-style: chr10-112541196-G-A.
Other names: short protein forms A277T.
Identifiers: ClinVar variation 1494051 (VCV001494051.8), dbSNP rs894218251, ClinGen allele CA213234883.
Genomic context (GRCh38, chr10:110,781,438, plus strand): 5'-ACCTCGGGCAGTGTGACCTATGAAGGGCACTACAGCCACACAGGGCAGGATGGTCAAGCT[G>A]CCTTTTCCAAAGATTTTTACGGACCCAACTCCCAAGGTTCACATGTGGCCAGCGGATTTC-3'
Protein context (NP_001127835.2, residues 267-287): YSHTGQDGQA[Ala277Thr]FSKDFYGPNS